The following is an entry in ClinVar:

NM_002016.2(FLG):c.4768C>T (p.Gln1590Ter)

Genes: CCDST (cervical cancer associated DHX9 suppressive transcript; plus strand), FLG (filaggrin; minus strand). Cytogenetic location: 1q21.3.
Variant type: single nucleotide variant.
Coding change: c.4768C>T on transcript NM_002016.2 (MANE Select); coding-DNA position 4768, C replaced by T.
Protein change: p.Gln1590Ter; replaces glutamine 1590 with a stop codon.
Molecular consequence: nonsense.
Genome position (GRCh38, 1-based): chr1:152,310,118, G>A on the plus strand (C>T on the coding strand, the complement: FLG is on the minus strand). VCF-style: chr1-152310118-G-A. GRCh37 (hg19) VCF-style: chr1-152282594-G-A.
Other names: short protein forms Q1590*.
Identifiers: ClinVar variation 4755726 (VCV004755726.1).
Genomic context (GRCh38, chr1:152,310,118, plus strand): 5'-GCCTCTCAGAGTCTTCTGAGTGTCCCTCACTGTCCCTGTCCTGACTAACACTGGATCCCT[G>A]GCGCCTGCTTGTCTTGGACCCCGCTGATTCTCCCTGGCCCACCTGTGAGTGTCTAGAGCT-3'

ClinVar aggregate classification (germline): Pathogenic (1 of 4 stars; one submission).

gnomAD v4.1: 23 of 1,613,928 alleles (0.0014%); highest among the groups gnomAD compares: Non-Finnish European, 0.0019%; no homozygotes.

Submission:

GeneDx
Classification: Pathogenic. Last evaluated: 2025-08-02. Review status: criteria provided, single submitter. Criteria: GeneDx Variant Classification Process June 2021. Collection method: clinical testing. Allele origin: germline. Affected: yes.
Comment: Observed in a patient with congenital ichthyosis in published literature; of note, this individual also harbored variants in another gene that may contribute to the phenotype (PMID: 37736478); Nonsense variant predicted to result in protein truncation, as the last 2472 amino acid(s) are lost, and other loss-of-function variants have been reported downstream in HGMD; Not observed at significant frequency in large population cohorts (gnomAD); This variant is associated with the following publications: (PMID: 16444271, 37736478)